The following is an entry in ClinVar:

ClinVar aggregate classification (germline): Uncertain significance (1 of 4 stars; one submission).

Conditions:
Hereditary cancer-predisposing syndrome. Also called: Neoplastic Syndromes, Hereditary; Tumor predisposition; Hereditary Cancer Syndrome; Hereditary neoplastic syndrome. Identifiers: Orphanet 140162, MedGen C0027672, MeSH D009386, MONDO:0015356.

Submission:

Ambry Genetics
Classification: Uncertain significance for Hereditary cancer-predisposing syndrome. Last evaluated: 2019-07-16. Review status: criteria provided, single submitter. Criteria: Ambry Variant Classification Scheme 2023. Collection method: clinical testing. Allele origin: germline.
Comment: The p.S628Y variant (also known as c.1883C>A), located in coding exon 14 of the SDHA gene, results from a C to A substitution at nucleotide position 1883. The serine at codon 628 is replaced by tyrosine, an amino acid with dissimilar properties. This amino acid position is highly conserved in available vertebrate species. In addition, the in silico prediction for this alteration is inconclusive. Since supporting evidence is limited at this time, the clinical significance of this alteration remains unclear.

NM_004168.4(SDHA):c.1883C>A (p.Ser628Tyr)

Gene: SDHA (succinate dehydrogenase complex flavoprotein subunit A; plus strand). Cytogenetic location: 5p15.33.
Variant type: single nucleotide variant.
Coding change: c.1883C>A on transcript NM_004168.4 (MANE Select); coding-DNA position 1883, C replaced by A.
Protein change: p.Ser628Tyr; replaces serine 628 with tyrosine.
Molecular consequence: missense variant.
Genome position (GRCh38, 1-based): chr5:254,481, C>A. VCF-style: chr5-254481-C-A. GRCh37 (hg19) VCF-style: chr5-254596-C-A.
Other names: c.1739C>A, p.Ser580Tyr (NM_001294332.2); c.1640C>A, p.Ser547Tyr (NM_001330758.2); short protein forms S547Y, S580Y, S628Y.
Identifiers: ClinVar variation 820251 (VCV000820251.4), dbSNP rs1579445259, ClinGen allele CA359002133.